The following is an entry in ClinVar:

ClinVar aggregate classification (germline): Uncertain significance. Review status: criteria provided, multiple submitters, no conflicts (2 of 4 stars). 2 submissions from 2 submitters: Uncertain significance (2). Last evaluated 2025-10-06.

Conditions:
Cardiovascular phenotype. Identifiers: MedGen CN230736.
Long QT syndrome (LQTS). Identifiers: MedGen C0023976, MeSH D008133, MONDO:0002442. Disease mechanism: loss of function. Inheritance: Various modes of inheritance.

Submissions (2):

Ambry Genetics
Classification: Uncertain significance for Cardiovascular phenotype. Last evaluated: 2025-10-06. Review status: criteria provided, single submitter. Criteria: Ambry Variant Classification Scheme 2023. Collection method: clinical testing. Allele origin: germline.
Comment: The c.11611-3T>A intronic variant results from a T to A substitution 3 nucleotides upstream from coding exon 44 in the ANK2 gene. This nucleotide position is not well conserved in available vertebrate species. In silico splice site analysis predicts that this alteration will not have any significant effect on splicing. Based on the available evidence, the clinical significance of this variant remains unclear.

Labcorp Genetics (formerly Invitae), Labcorp
Classification: Uncertain significance for Long QT syndrome. Last evaluated: 2019-08-05. Review status: criteria provided, single submitter. Criteria: Invitae Variant Classification Sherloc (09022015). Collection method: clinical testing. Allele origin: germline.
Comment: In summary, the available evidence is currently insufficient to determine the role of this variant in disease. Therefore, it has been classified as a Variant of Uncertain Significance. Nucleotide substitutions within the consensus splice site are a relatively common cause of aberrant splicing (PMID: 17576681, 9536098). Algorithms developed to predict the effect of sequence changes on RNA splicing suggest that this variant may disrupt the consensus splice site, but this prediction has not been confirmed by published transcriptional studies. This variant has not been reported in the literature in individuals with ANK2-related conditions. This variant is not present in population databases (ExAC no frequency). This sequence change falls in intron 43 of the ANK2 gene. It does not directly change the encoded amino acid sequence of the ANK2 protein, but it affects a nucleotide within the consensus splice site of the intron.

Literature cited by the submitters: PubMed 17576681 (cited by Labcorp Genetics (formerly Invitae), Labcorp); PubMed 9536098 (cited by Labcorp Genetics (formerly Invitae), Labcorp).

NM_001148.6(ANK2):c.11611-3T>A

Gene: ANK2 (ankyrin 2; plus strand). Cytogenetic location: 4q26.
Variant type: single nucleotide variant.
Coding change: c.11611-3T>A on transcript NM_001148.6 (MANE Select); 3 bases into the intron before coding-DNA position 11611, T replaced by A.
Molecular consequence: intron variant.
Genome position (GRCh38, 1-based): chr4:113,373,087, T>A. VCF-style: chr4-113373087-T-A. GRCh37 (hg19) VCF-style: chr4-114294243-T-A.
Other names: c.5341-3T>A (NM_001386186.2, NM_001386148.2); c.5143-3T>A (NM_001354269.3); c.5221-3T>A (NM_001386187.2); c.5182-3T>A (NM_001386147.1); c.5200-3T>A (NM_001386160.1); c.5305-3T>A (NM_001354254.2); c.5419-3T>A (NM_001354239.2); c.5326-3T>A (NM_001354252.2); and 44 more.
Identifiers: ClinVar variation 957670 (VCV000957670.7), dbSNP rs2096797360, ClinGen allele CA1139655903.